The following is an entry in ClinVar:

NM_015015.3(KDM4B):c.3082dup (p.Glu1028fs)

Gene: KDM4B (lysine demethylase 4B; plus strand). Cytogenetic location: 19p13.3.
Variant type: Duplication.
Coding change: c.3082dup on transcript NM_015015.3 (MANE Select); coding-DNA position 3082, one base duplicated (G; older notation c.3082dupG).
Protein change: p.Glu1028fs; shifts the reading frame from glutamic acid 1028.
Molecular consequence: frameshift variant.
Genome position (GRCh38, 1-based): chr19:5,150,418, G duplicated; the last of 2 consecutive G bases (chr19:5,150,417-5,150,418); duplicating either gives the same sequence. VCF-style (leftmost placement, unchanged base first): chr19-5150416-A-AG. GRCh37 (hg19) VCF-style: chr19-5150427-A-AG.
Other names: c.3184dup, p.Glu1062fs (NM_001411148.1); short protein forms E1028fs, E1062fs.
Identifiers: ClinVar variation 4883944 (VCV004883944.2).
Genomic context (GRCh38, chr19:5,150,416, plus strand): 5'-AGGTGGAGTTTGAGGACGGGTCCCAGCTGACGGTGAAGCGTGGGGACATCTTCACCCTGG[A>AG]GGAGGAGCTGCCCAAGAGGGTCCGCTCTCGGCTGGTGAGTGCGCGAGGCTGGCCTGGTGG-3'

ClinVar aggregate classification (germline): Uncertain significance (1 of 4 stars; one submission).

Submission:

Dasa
Classification: Uncertain significance. Last evaluated: 2026-02-10. Review status: criteria provided, single submitter. Criteria: DASA Assertion Criteria. Collection method: clinical testing. Allele origin: germline.
Comment: NM_015015.3(KDM4B):c.3082dup (p.Glu1028Glyfs*95) is a frameshift variant in KDM4B predicted to alter the reading frame and introduce a premature termination codon. This variant is rare in population databases. The currently available literature and clinical evidence are not sufficient to establish a definitive association between this variant and the reported condition. Therefore, this variant is classified as a variant of uncertain significance.